The following is an entry in ClinVar:

NM_033056.4(PCDH15):c.4728G>A (p.Gln1576=)

Gene: PCDH15 (protocadherin related 15; minus strand). Cytogenetic location: 10q21.1.
Variant type: single nucleotide variant.
Coding change: c.4728G>A on transcript NM_033056.4 (MANE Plus Clinical); coding-DNA position 4728, G replaced by A.
Protein change: p.Gln1576=; no amino-acid change (glutamine 1576 retained).
Molecular consequence: synonymous variant. On other transcripts: intron variant (8).
Genome position (GRCh38, 1-based): chr10:53,822,998, C>T on the plus strand (G>A on the coding strand, the complement: PCDH15 is on the minus strand). VCF-style: chr10-53822998-C-T. GRCh37 (hg19) VCF-style: chr10-55582758-C-T.
Other names: c.4749G>A, p.Gln1583= (NM_001142763.2); c.4734G>A, p.Gln1578= (NM_001142764.2); c.4521G>A, p.Gln1507= (NM_001142765.2); c.4719G>A, p.Gln1573= (NM_001142766.2); c.4608G>A, p.Gln1536= (NM_001142767.2); c.4668G>A, p.Gln1556= (NM_001142768.2); c.4659G>A, p.Gln1553= (NM_001142773.2); c.4662G>A, p.Gln1554= (NM_001354404.2); and 6 more.
Identifiers: ClinVar variation 989776 (VCV000989776.32), dbSNP rs1564538186, ClinGen allele CA469547276.

ClinVar aggregate classification (germline): Likely benign. Review status: criteria provided, multiple submitters, no conflicts (2 of 4 stars). 4 submissions from 4 submitters: Likely benign (3). 1 of the submissions does not count toward it. Last evaluated 2026-01-21.

Conditions:
Usher syndrome type 1F (USH1F). Also called: USHER SYNDROME, TYPE IF. Identifiers: Orphanet 231169, Orphanet 886, MedGen C1865885, MONDO:0011186, OMIM 602083.

Allele frequency attached by ClinVar (database versions not stated): gnomAD exomes below 0.00001; TOPMed below 0.00001.
gnomAD v4.1: 5 of 1,614,076 alleles (0.00031%); highest among the groups gnomAD compares: Non-Finnish European, 0.00042%; no homozygotes.

Submissions (4):

Labcorp Genetics (formerly Invitae), Labcorp
Classification: Likely benign. Last evaluated: 2026-01-21. Review status: criteria provided, single submitter. Criteria: Invitae Variant Classification Sherloc (09022015). Collection method: clinical testing. Allele origin: germline.

CeGaT Center for Human Genetics Tuebingen
Classification: Likely benign. Last evaluated: 2024-02-01. Review status: criteria provided, single submitter. Criteria: CeGaT Center For Human Genetics Tuebingen Variant Classification Criteria Version 2. Collection method: clinical testing. Allele origin: germline. Affected: yes. Observed: 1 variant allele.
Comment: PCDH15: BP4, BP7

Breakthrough Genomics
Classification: Likely benign. Review status: criteria provided, single submitter. Criteria: ACMG Guidelines, 2015. Collection method: not provided. Allele origin: germline. Inheritance: Autosomal recessive inheritance. Affected: yes.

Natera, Inc.
Classification: Likely benign for Usher syndrome type 1F. Last evaluated: 2020-10-28. Review status: no assertion criteria provided. Collection method: clinical testing. Allele origin: germline. Not counted in ClinVar's aggregate classification.